The following is an entry in ClinVar:

NM_001323289.2(CDKL5):c.1111del (p.Ala372fs)

Gene: CDKL5 (cyclin dependent kinase like 5; plus strand). Cytogenetic location: Xp22.13.
Variant type: Deletion.
Coding change: c.1111del on transcript NM_001323289.2 (MANE Select); coding-DNA position 1111, one base deleted (C; older notation c.1111delC).
Protein change: p.Ala372fs; shifts the reading frame from alanine 372.
Molecular consequence: frameshift variant.
Genome position (GRCh38, 1-based): chrX:18,604,035, C deleted; the last of 2 consecutive C bases (chrX:18,604,034-18,604,035); deleting either gives the same sequence. VCF-style (leftmost placement, unchanged base first): chrX-18604033-AC-A. GRCh37 (hg19) VCF-style: chrX-18622153-AC-A.
Other names: NM_001323289.2(CDKL5):c.1111del; p.Ala372fs; c.1111del, p.Ala372fs (NM_001037343.2, NM_003159.3); short protein forms A372fs.
Identifiers: ClinVar variation 502250 (VCV000502250.6), dbSNP rs1555951958, ClinGen allele CA658799608.

ClinVar aggregate classification (germline): Pathogenic. Review status: criteria provided, multiple submitters, no conflicts (2 of 4 stars). 2 submissions from 2 submitters: Pathogenic (2). Last evaluated 2024-08-23.

Conditions:
CDKL5 disorder. Identifiers: MedGen CN296942, MONDO:0100039.

Submissions (2):

Centre for Population Genomics, CPG
Classification: Pathogenic for CDKL5 disorder. Last evaluated: 2024-08-23. Review status: criteria provided, single submitter. Criteria: McKnight et al. (Hum Mutat. 2022). Collection method: curation. Allele origin: germline. Inheritance: X-linked inheritance.
Comment: This variant has been collected from RettBASE and curated to current modified ACMG/AMP criteria. Based on the classification scheme defined by the ClinGen Rett/Angelman-like Expert Panel for Rett/AS-like Disorders Specifications to the ACMG/AMP Variant Interpretation Guidelines VCEP 3.0, this variant is classified as pathogenic. At least the following criteria are met: Predicted to result in loss of function, and LOF is a known mechanism of disease (PVS1). This variant is absent from gnomAD v4 (PM2_Supporting). Has been observed in at least 2 individuals with phenotypes consistent with CDKL5 disorder (PS4_Supporting). PMID:24564546 Variation ID: 502250

Eurofins Ntd Llc (ga)
Classification: Pathogenic. Last evaluated: 2017-06-06. Review status: criteria provided, single submitter. Criteria: EGL Classification Definitions 2015. Collection method: clinical testing. Allele origin: germline. Observed: 1 variant allele, 1 heterozygote.